The following is an entry in ClinVar:

NM_005633.4(SOS1):c.1951C>T (p.Pro651Ser)

Gene: SOS1 (SOS Ras/Rac guanine nucleotide exchange factor 1; minus strand). Cytogenetic location: 2p22.1.
Variant type: single nucleotide variant.
Coding change: c.1951C>T on transcript NM_005633.4 (MANE Select); coding-DNA position 1951, C replaced by T.
Protein change: p.Pro651Ser; replaces proline 651 with serine.
Molecular consequence: missense variant.
Genome position (GRCh38, 1-based): chr2:39,013,979, G>A on the plus strand (C>T on the coding strand, the complement: SOS1 is on the minus strand). VCF-style: chr2-39013979-G-A. GRCh37 (hg19) VCF-style: chr2-39241120-G-A.
Other names: c.1930C>T, p.Pro644Ser (NM_001382394.1); c.1951C>T, p.Pro651Ser (NM_001382395.1); short protein forms P644S, P651S.
Identifiers: ClinVar variation 5017139 (VCV005017139.1).

ClinVar aggregate classification (germline): Uncertain significance (1 of 4 stars; one submission).

gnomAD v4.1: 1 of 1,603,550 alleles (0.000062%); highest among the groups gnomAD compares: African/African-American, 0.0013%; no homozygotes.

Submission:

GeneDx
Classification: Uncertain significance. Last evaluated: 2026-03-21. Review status: criteria provided, single submitter. Criteria: GeneDx Variant Classification Process June 2021. Collection method: clinical testing. Allele origin: germline.
Comment: Missense variants in this gene are a common cause of disease and they are underrepresented in the general population; In silico analysis supports that this missense variant has a deleterious effect on protein structure/function; Has not been previously published as pathogenic or benign to our knowledge; This variant is associated with the following publications: (PMID: 29493581)